The following is an entry in ClinVar:

NM_001394062.1(MACF1):c.15545_15546del (p.Glu5182fs)

Gene: MACF1 (microtubule actin crosslinking factor 1; plus strand). Cytogenetic location: 1p34.3.
Variant type: Microsatellite.
Coding change: c.15545_15546del on transcript NM_001394062.1 (MANE Select); coding-DNA positions 15545 to 15546, 2 bases deleted (AG; older notation c.15545_15546delAG).
Protein change: p.Glu5182fs; shifts the reading frame from glutamic acid 5182.
Molecular consequence: frameshift variant.
Genome position (GRCh38, 1-based): chr1:39,388,387-39,388,388, AG deleted; deleting any 2 consecutive bases within chr1:39,388,385-39,388,388 gives the same sequence; the c. name uses the placement nearest the transcript's 3' end. VCF-style (leftmost placement, unchanged base first): chr1-39388384-CAG-C. GRCh37 (hg19) VCF-style: chr1-39854056-CAG-C.
Other names: c.9359_9360del, p.Glu3120fs (NM_012090.5); short protein forms E3120fs, E5182fs.
Identifiers: ClinVar variation 4528208 (VCV004528208.1).

ClinVar aggregate classification (germline): Uncertain significance (1 of 4 stars; one submission).

Submission:

GeneDx
Classification: Uncertain significance. Last evaluated: 2025-05-09. Review status: criteria provided, single submitter. Criteria: GeneDx Variant Classification Process June 2021. Collection method: clinical testing. Allele origin: germline. Affected: yes.
Comment: Frameshift variant predicted to result in protein truncation or nonsense mediated decay in a gene or region of a gene for which loss of function is not a well-established mechanism of disease; Not observed at significant frequency in large population cohorts (gnomAD); Has not been previously published as pathogenic or benign to our knowledge